The following is an entry in ClinVar:

NM_177973.2(SULT2B1):c.821G>A (p.Arg274Gln)

Gene: SULT2B1 (sulfotransferase family 2B member 1; plus strand). Cytogenetic location: 19q13.33.
Variant type: single nucleotide variant.
Coding change: c.821G>A on transcript NM_177973.2 (MANE Select); coding-DNA position 821, G replaced by A.
Protein change: p.Arg274Gln; replaces arginine 274 with glutamine.
Molecular consequence: missense variant.
Genome position (GRCh38, 1-based): chr19:48,596,914, G>A. VCF-style: chr19-48596914-G-A. GRCh37 (hg19) VCF-style: chr19-49100171-G-A.
Other names: NC_000019.9:g.49100171G>A; c.776G>A, p.Arg259Gln (NM_004605.2); short protein forms R274Q, R259Q.
Identifiers: ClinVar variation 426108 (VCV000426108.7), dbSNP rs762765702, ClinGen allele CA9553224.

ClinVar aggregate classification (germline): Pathogenic. Review status: criteria provided, single submitter (1 of 4 stars). 2 submissions from 2 submitters: Pathogenic (1). 1 of the submissions does not count toward it. Last evaluated 2016-07-01.

Conditions:
Ichthyosis, congenital, autosomal recessive 14. Identifiers: MedGen C4539754, MONDO:0033091, OMIM 617571.
Autosomal recessive congenital ichthyosis 2 (ARCI2). Identifiers: Orphanet 281122, Orphanet 79394, MedGen C3888093, MONDO:0009439, OMIM 242100.

Allele frequency attached by ClinVar (database versions not stated): ExAC 0.00002; gnomAD 0.00001; gnomAD exomes 0.00001.
gnomAD v4.1: 20 of 1,587,816 alleles (0.0013%); highest among the groups gnomAD compares: African/African-American, 0.0027%; no homozygotes.

Submissions (3):

Institute for Human Genetics, University Medical Center Freiburg
Classification: Pathogenic for Autosomal recessive congenital ichthyosis 2. Last evaluated: 2016-07-01. Review status: criteria provided, single submitter. Criteria: Heinz et al. (Am J Hum Genet. 2017 ). Collection method: clinical testing. Allele origin: germline. Affected: yes. Observed: 1 variant allele.

OMIM
Classification: Pathogenic for ICHTHYOSIS, CONGENITAL, AUTOSOMAL RECESSIVE 14. Last evaluated: 2017-07-13. Review status: no assertion criteria provided. Collection method: literature only. Allele origin: germline. Not counted in ClinVar's aggregate classification.

Dr. Peter K. Rogan Lab, Western University
No classification provided (evidence only). Condition: Uterine corpus endometrial carcinoma. Review status: no classification provided. Collection method: in vitro. Allele origin: not applicable. Functional consequence: retained intron. Not counted in ClinVar's aggregate classification.

Literature cited by the submitters: PubMed 28575648 (cited by OMIM); PubMed 17496163 (cited by OMIM).